The following is an entry in ClinVar:

NM_201384.3(PLEC):c.8404G>A (p.Gly2802Ser)

Gene: PLEC (plectin; minus strand). Cytogenetic location: 8q24.3.
Variant type: single nucleotide variant.
Coding change: c.8404G>A on transcript NM_201384.3 (MANE Select); coding-DNA position 8404, G replaced by A.
Protein change: p.Gly2802Ser; replaces glycine 2802 with serine.
Molecular consequence: missense variant.
Genome position (GRCh38, 1-based): chr8:143,921,417, C>T on the plus strand (G>A on the coding strand, the complement: PLEC is on the minus strand). VCF-style: chr8-143921417-C-T. GRCh37 (hg19) VCF-style: chr8-144995585-C-T.
Other names: c.8485G>A (NM_000445.3); c.8485G>A, p.Gly2829Ser (NM_000445.5); c.5104G>A, p.Gly1702Ser (NM_001410941.1); c.8362G>A, p.Gly2788Ser (NM_201378.4); c.8338G>A, p.Gly2780Ser (NM_201379.3); c.8815G>A, p.Gly2939Ser (NM_201380.4); c.8308G>A, p.Gly2770Ser (NM_201381.3); c.8404G>A, p.Gly2802Ser (NM_201382.4); and 1 more; short protein forms G1702S, G2770S, G2780S, G2788S, G2802S, G2806S, G2829S, G2939S.
Identifiers: ClinVar variation 2418836 (VCV002418836.12), dbSNP rs782070115, ClinGen allele CA4925327.
Genomic context (GRCh38, chr8:143,921,417, plus strand): 5'-GGCTGTGCACGGGGTCGATAACGCCGCCCGTGGCGATCTGGGCCTCCAGCAGGCGGATGC[C>T]GTGCTCCCGGACGATGAGGCCCTTCTGCATGGCTTGGAAGAGAGAGATCTGCTGGCCAGT-3'
Protein context (NP_958786.1, residues 2792-2812): MQKGLIVREH[Gly2802Ser]IRLLEAQIAT

ClinVar aggregate classification (germline): Uncertain significance. Review status: criteria provided, multiple submitters, no conflicts (2 of 4 stars). 2 submissions from 2 submitters: Uncertain significance (2). Last evaluated 2025-10-09.

Conditions:
Epidermolysis bullosa simplex 5B, with muscular dystrophy (EBS5B). Also called: Epidermolysis bullosa simplex with muscular dystrophy; EPIDERMOLYSIS BULLOSA SIMPLEX AND LIMB-GIRDLE MUSCULAR DYSTROPHY. Identifiers: Orphanet 257, MedGen C2931072, MONDO:0009181, OMIM 226670.
Epidermolysis bullosa simplex 5C, with pyloric atresia (EBS5C). Also called: PLEC-Related Epidermolysis Bullosa with Pyloric Atresia; Epidermolysis bullosa simplex with pyloric atresia; PLEC1-Related Epidermolysis Bullosa with Pyloric Atresia. Identifiers: Orphanet 158684, MedGen C2677349, MONDO:0012807, OMIM 612138.
Autosomal recessive limb-girdle muscular dystrophy type 2Q (LGMDR17). Also called: MUSCULAR DYSTROPHY, LIMB-GIRDLE, AUTOSOMAL RECESSIVE 17. Identifiers: Orphanet 254361, MedGen C3150989, MONDO:0013390, OMIM 613723.
Epidermolysis bullosa simplex with nail dystrophy (EBS5D). Identifiers: MedGen C4225309, MONDO:0014661, OMIM 616487.
Epidermolysis bullosa simplex, Ogna type (EBS5A). Also called: Pidermolysis bullosa simplex 5A, Ogna type; EPIDERMOLYSIS BULLOSA SIMPLEX 5A, OGNA TYPE. Identifiers: Orphanet 79401, MedGen C0432317, MONDO:0007555, OMIM 131950.
Inborn genetic diseases. Identifiers: MedGen C0950123, MeSH D030342.

Allele frequency attached by ClinVar (database versions not stated): TOPMed below 0.00001; gnomAD 0.00001; gnomAD exomes 0.00001; ExAC 0.00003.
gnomAD v4.1: 18 of 1,613,222 alleles (0.0011%); highest among the groups gnomAD compares: Admixed American, 0.0083%; no homozygotes.

Submissions (2):

Labcorp Genetics (formerly Invitae), Labcorp
Classification: Uncertain significance for Autosomal recessive limb-girdle muscular dystrophy type 2Q; Epidermolysis bullosa simplex, Ogna type; Epidermolysis bullosa simplex with nail dystrophy; Epidermolysis bullosa simplex 5C, with pyloric atresia; Epidermolysis bullosa simplex 5B, with muscular dystrophy. Last evaluated: 2025-10-09. Review status: criteria provided, single submitter. Criteria: Invitae Variant Classification Sherloc (09022015). Collection method: clinical testing. Allele origin: germline.
Comment: This sequence change replaces glycine, which is neutral and non-polar, with serine, which is neutral and polar, at codon 2829 of the PLEC protein (p.Gly2829Ser). This variant is present in population databases (rs782070115, gnomAD 0.01%). This variant has not been reported in the literature in individuals affected with PLEC-related conditions. ClinVar contains an entry for this variant (Variation ID: 2418836). An algorithm developed to predict the effect of missense changes on protein structure and function (PolyPhen-2) suggests that this variant is likely to be disruptive. In summary, the available evidence is currently insufficient to determine the role of this variant in disease. Therefore, it has been classified as a Variant of Uncertain Significance.

Ambry Genetics
Classification: Uncertain significance for Inborn genetic diseases. Last evaluated: 2025-06-07. Review status: criteria provided, single submitter. Criteria: Ambry Variant Classification Scheme 2023. Collection method: clinical testing. Allele origin: germline.